The following is an entry in ClinVar:

ClinVar aggregate classification (germline): Conflicting classifications of pathogenicity. Review status: criteria provided, conflicting classifications (1 of 4 stars). 6 submissions from 6 submitters: Uncertain significance (3); Benign (1). 2 of the submissions do not count toward it. Last evaluated 2022-03-23.

Conditions:
CFTR-related disorder (CFTR-RD). Also called: CFTR-related disorders; CFTR-related condition. Identifiers: MedGen C5924204, MONDO:7770004.
Cystic fibrosis (CF). Also called: MUCOVISCIDOSIS. Identifiers: Orphanet 586, MedGen C0010674, MONDO:0009061, OMIM 219700. Disease mechanism: loss of function.

Allele frequency attached by ClinVar (database versions not stated): ExAC 0.00249.

Submissions (6):

Ambry Genetics
Classification: Uncertain significance for Cystic fibrosis. Last evaluated: 2022-03-23. Review status: criteria provided, single submitter. Criteria: Ambry Variant Classification Scheme 2023. Collection method: clinical testing. Allele origin: germline.
Comment: The p.S422F variant (also known as c.1265C>T), located in coding exon 10 of the CFTR gene, results from a C to T substitution at nucleotide position 1265. The serine at codon 422 is replaced by phenylalanine, an amino acid with highly dissimilar properties. This variant was detected in an individual with cystic fibrosis or a CFTR-related disorder; however, complete genotype and phenotype information was not provided (Trujillano D et al. Mol Genet Genomic Med, 2015 Sep;3:396-403). This variant was previously reported in the SNPDatabase as rs201880593. This amino acid position is not well conserved in available vertebrate species. In addition, the in silico prediction for this alteration is inconclusive. Since supporting evidence is limited at this time, the clinical significance of this alteration remains unclear.

Genome-Nilou Lab
Classification: Uncertain significance for Cystic fibrosis. Last evaluated: 2021-07-22. Review status: criteria provided, single submitter. Criteria: ACMG Guidelines, 2015. Collection method: clinical testing. Allele origin: germline. Affected: no.

Illumina Laboratory Services, Illumina
Classification: Uncertain significance for CFTR-Related Disorders. Last evaluated: 2018-01-13. Review status: criteria provided, single submitter. Criteria: ICSL Variant Classification Criteria 13 December 2019. Collection method: clinical testing. Allele origin: germline.

Center for Pediatric Genomic Medicine, Children's Mercy Hospital and Clinics
Classification: Benign. Last evaluated: 2016-06-07. Review status: criteria provided, single submitter. Criteria: ACMG Guidelines, 2015. Collection method: clinical testing. Allele origin: germline.

Natera, Inc.
Classification: Likely benign for CFTR-related disorders. Last evaluated: 2021-02-26. Review status: no assertion criteria provided. Collection method: clinical testing. Allele origin: germline. Not counted in ClinVar's aggregate classification.

Department of Pathology and Laboratory Medicine, Sinai Health System
Classification: Uncertain significance. Review status: no assertion criteria provided. Collection method: clinical testing. Allele origin: unknown. Affected: yes. Study: The Canadian Open Genetics Repository (COGR). Not counted in ClinVar's aggregate classification.
Comment: The CFTR p.Ser422Phe variant was not identified in the Cosmic or MutDB databases but was identified in dbSNP (ID: rs201880593), ClinVar (reported benign by the Center for Pediatric Genomics Medicine at the Children's Mercy Hospital and Clinics), Clinvitae and LOVD 3.0. The variant was identified in control databases in 966 of 248446 chromosomes at a frequency of 0.003888 increasing the likelihood this could be a low frequency benign variant (Genome Aggregation Database Feb 27, 2017). The variant was observed in the following populations: European (Finnish) in 230 of 19926 chromosomes (freq: 0.01154), African in 201 of 18444 chromosomes (freq: 0.0109), Other in 54 of 6140 chromosomes (freq: 0.008795), European (non-Finnish) in 418 of 112262 chromosomes (freq: 0.003723), Latino in 40 of 33502 chromosomes (freq: 0.001194), East Asian in 16 of 18542 chromosomes (freq: 0.000863) and Ashkenazi Jewish in 7 of 10004 chromosomes (freq: 0.0007), but was not observed in the South Asian population. Trujillano et al. (2015) identified this variant in the heterozygous state in 1/177 cystic fibrosis patients but suggested the variant to be neutral (Trujillano_2015_PMID: 26436105). The p.Ser422 residue is conserved in mammals but not in more distantly related organisms and computational analyses (PolyPhen-2, SIFT, AlignGVGD, BLOSUM, MutationTaster) provide inconsistent predictions regarding the impact to the protein; this information is not very predictive of pathogenicity. In summary, based on the above information the clinical significance of this variant cannot be determined with certainty at this time. This variant is classified as a variant of uncertain significance.

Literature cited by the submitters: PubMed 26436105 (cited by Ambry Genetics).

NM_000492.4(CFTR):c.1265C>T (p.Ser422Phe)

Genes: CFTR (CF transmembrane conductance regulator; plus strand), CFTR-AS1 (CFTR antisense RNA 1; minus strand). Cytogenetic location: 7q31.2.
Variant type: single nucleotide variant.
Coding change: c.1265C>T on transcript NM_000492.4 (MANE Select); coding-DNA position 1265, C replaced by T.
Protein change: p.Ser422Phe; replaces serine 422 with phenylalanine.
Molecular consequence: missense variant.
Genome position (GRCh38, 1-based): chr7:117,548,696, C>T. VCF-style: chr7-117548696-C-T. GRCh37 (hg19) VCF-style: chr7-117188750-C-T.
Other names: short protein forms S422F.
Identifiers: ClinVar variation 76610 (VCV000076610.16), dbSNP rs201880593, ClinGen allele CA4450963.